The following is an entry in ClinVar:

NM_181486.4(TBX5):c.373G>C (p.Gly125Arg)

Gene: TBX5 (T-box transcription factor 5; minus strand). Cytogenetic location: 12q24.21.
Variant type: single nucleotide variant.
Coding change: c.373G>C on transcript NM_181486.4 (MANE Select); coding-DNA position 373, G replaced by C.
Protein change: p.Gly125Arg; replaces glycine 125 with arginine.
Molecular consequence: missense variant.
Genome position (GRCh38, 1-based): chr12:114,398,710, C>G on the plus strand (G>C on the coding strand, the complement: TBX5 is on the minus strand). VCF-style: chr12-114398710-C-G. GRCh37 (hg19) VCF-style: chr12-114836515-C-G.
Other names: p.G125R:GGC>CGC; c.373G>C, p.Gly125Arg (NM_000192.3); c.223G>C, p.Gly75Arg (NM_080717.4); short protein forms G125R, G75R.
Identifiers: ClinVar variation 213816 (VCV000213816.5), dbSNP rs863223773, ClinGen allele CA325430.
Genomic context (GRCh38, chr12:114,398,710, plus strand): 5'-CGGTGGCGGGGGAGTCTGGGTGCACGTACAGGCGGCCAGGCATGGCGGGCTCAGCTTTGC[C>G]CGTCACAGACCTAGATGAAGGAGAGGTGTACTAGAGGCCTGGCTCAGAGTCTGGAGGTAG-3'
Protein context (NP_852259.1, residues 115-135): KFADNKWSVT[Gly125Arg]KAEPAMPGRL

ClinVar aggregate classification (germline): Pathogenic. Review status: criteria provided, multiple submitters, no conflicts (2 of 4 stars). 2 submissions from 2 submitters: Pathogenic (2). Last evaluated 2024-01-03.

Conditions:
TBX5-related disorder. Also called: TBX5-related condition.

Allele frequency attached by ClinVar (database versions not stated): TOPMed below 0.00001; gnomAD 0.00001.
gnomAD v4.1: 1 of 1,600,746 alleles (0.000062%); highest among the groups gnomAD compares: Non-Finnish European, 0.000085%; no homozygotes.

Submissions (2):

Blueprint Genetics
Classification: Pathogenic for TBX5-related disorders. Last evaluated: 2024-01-03. Review status: criteria provided, single submitter. Criteria: ACMG Guidelines, 2015. Collection method: clinical testing. Allele origin: germline. Affected: yes. Observed: 1 variant allele.

GeneDx
Classification: Pathogenic. Last evaluated: 2023-04-26. Review status: criteria provided, single submitter. Criteria: GeneDx Variant Classification Process June 2021. Collection method: clinical testing. Allele origin: germline. Affected: yes.
Comment: Published functional studies demonstrate a significantly enhanced DNA binding and activation of both the Nppa and Cx40 promoter, and significantly augments expression of Nppa, Cx40, Kcnj2, and Tbx3 in comparison with wild-type TBX5 (Postma et al., 2008); In silico analysis supports that this missense variant has a deleterious effect on protein structure/function; This variant is associated with the following publications: (PMID: 35113653, 20519243, 26219450, 18451335, 25263169, 25680289, 25713730, 26762269, 27479212, 22333898)